The following is an entry in ClinVar:

ClinVar aggregate classification (germline): Likely pathogenic (1 of 4 stars; one submission).

Conditions:
Werner syndrome (WRN). Identifiers: Orphanet 902, MedGen C0043119, MONDO:0010196, OMIM 277700.

Allele frequency attached by ClinVar (database versions not stated): TOPMed below 0.00001.

Submission:

Labcorp Genetics (formerly Invitae), Labcorp
Classification: Likely pathogenic for Werner syndrome. Last evaluated: 2022-06-04. Review status: criteria provided, single submitter. Criteria: Invitae Variant Classification Sherloc (09022015). Collection method: clinical testing. Allele origin: germline.
Comment: Disruption of this splice site has been observed in individual(s) with clinical features of Werner syndrome (Invitae). This sequence change affects an acceptor splice site in intron 13 of the WRN gene. RNA analysis indicates that disruption of this splice site induces altered splicing and may result in an absent or disrupted protein product. This variant is not present in population databases (gnomAD no frequency). ClinVar contains an entry for this variant (Variation ID: 1489061). Studies have shown that disruption of this splice site results in activation of a cryptic splice site and introduces a premature termination codon (Invitae). The resulting mRNA is expected to undergo nonsense-mediated decay. In summary, the currently available evidence indicates that the variant is pathogenic, but additional data are needed to prove that conclusively. Therefore, this variant has been classified as Likely Pathogenic.

NM_000553.6(WRN):c.1653-2A>G

Gene: WRN (WRN RecQ like helicase; plus strand). Cytogenetic location: 8p12.
Variant type: single nucleotide variant.
Coding change: c.1653-2A>G on transcript NM_000553.6 (MANE Select); the canonical splice acceptor site of the intron before coding-DNA position 1653, A replaced by G.
Molecular consequence: splice acceptor variant.
Genome position (GRCh38, 1-based): chr8:31,090,463, A>G. VCF-style: chr8-31090463-A-G. GRCh37 (hg19) VCF-style: chr8-30947979-A-G.
Identifiers: ClinVar variation 1489061 (VCV001489061.6), dbSNP rs1434118877, ClinGen allele CA370926717.
Genomic context (GRCh38, chr8:31,090,463, plus strand): 5'-TAATTTGTACCTTGGGTTTCTTATTAATAAAACAAAATAGCTTTTTGCTTTTCACCTTCA[A>G]GAGTTCAGTGGAAAGTGATTCATTCAGTATTAGAAGAAAGAAGAGATAATGTTGCTGTCA-3'